The following is an entry in ClinVar:

NM_005554.4(KRT6A):c.1244G>A (p.Arg415His)

Gene: KRT6A (keratin 6A; minus strand). Cytogenetic location: 12q13.13.
Variant type: single nucleotide variant.
Coding change: c.1244G>A on transcript NM_005554.4 (MANE Select); coding-DNA position 1244, G replaced by A.
Protein change: p.Arg415His; replaces arginine 415 with histidine.
Molecular consequence: missense variant.
Genome position (GRCh38, 1-based): chr12:52,488,508, C>T on the plus strand (G>A on the coding strand, the complement: KRT6A is on the minus strand). VCF-style: chr12-52488508-C-T. GRCh37 (hg19) VCF-style: chr12-52882292-C-T.
Other names: short protein forms R415H.
Identifiers: ClinVar variation 715770 (VCV000715770.10), dbSNP rs61730612, ClinGen allele CA6581903.

ClinVar aggregate classification (germline): Benign. Review status: criteria provided, multiple submitters, no conflicts (2 of 4 stars). 3 submissions from 3 submitters: Benign (2). 1 of the submissions does not count toward it. Last evaluated 2026-01-17.

Conditions:
KRT6A-related disorder. Also called: KRT6A-related condition.

Allele frequency attached by ClinVar (database versions not stated): ESP Exome Variant Server 0.00115; TOPMed 0.00163; gnomAD exomes 0.00054; ExAC 0.00058; 1000 Genomes Project 0.00260; 1000 Genomes Project 30x 0.00265.
gnomAD v4.1: 564 of 1,614,132 alleles (0.035%); highest among the groups gnomAD compares: African/African-American, 0.44%; no homozygotes.

Submissions (3):

Labcorp Genetics (formerly Invitae), Labcorp
Classification: Benign. Last evaluated: 2026-01-17. Review status: criteria provided, single submitter. Criteria: Invitae Variant Classification Sherloc (09022015). Collection method: clinical testing. Allele origin: germline.

Breakthrough Genomics
Classification: Benign. Review status: criteria provided, single submitter. Criteria: ACMG Guidelines, 2015. Collection method: not provided. Allele origin: germline. Inheritance: Autosomal dominant inheritance. Affected: yes.

PreventionGenetics, part of Exact Sciences
Classification: Benign for KRT6A-related condition. Last evaluated: 2020-09-28. Review status: no assertion criteria provided. Collection method: clinical testing. Allele origin: germline. Not counted in ClinVar's aggregate classification.
Comment: This variant is classified as benign based on ACMG/AMP sequence variant interpretation guidelines (Richards et al. 2015 PMID: 25741868, with internal and published modifications).